The following is an entry in ClinVar:

NM_006231.4(POLE):c.3927T>A (p.Asp1309Glu)

Gene: POLE (DNA polymerase epsilon, catalytic subunit; minus strand). Cytogenetic location: 12q24.33.
Variant type: single nucleotide variant.
Coding change: c.3927T>A on transcript NM_006231.4 (MANE Select); coding-DNA position 3927, T replaced by A.
Protein change: p.Asp1309Glu; replaces aspartic acid 1309 with glutamic acid.
Molecular consequence: missense variant.
Genome position (GRCh38, 1-based): chr12:132,649,384, A>T on the plus strand (T>A on the coding strand, the complement: POLE is on the minus strand). VCF-style: chr12-132649384-A-T. GRCh37 (hg19) VCF-style: chr12-133225970-A-T.
Other names: short protein forms D1309E.
Identifiers: ClinVar variation 1709778 (VCV001709778.3), dbSNP rs2138606945, ClinGen allele CA387385085.

ClinVar aggregate classification (germline): Uncertain significance. Review status: criteria provided, multiple submitters, no conflicts (2 of 4 stars). 2 submissions from 2 submitters: Uncertain significance (2). Last evaluated 2025-12-14.

Conditions:
Colorectal cancer, susceptibility to, 12 (CRCS12). Also called: COLORECTAL CANCER, SUSCEPTIBILITY TO, ON CHROMOSOME 12q24. Identifiers: Orphanet 220460, MedGen C3554460, MONDO:0014038, OMIM 615083.

Submissions (2):

Labcorp Genetics (formerly Invitae), Labcorp
Classification: Uncertain significance. Last evaluated: 2025-12-14. Review status: criteria provided, single submitter. Criteria: Invitae Variant Classification Sherloc (09022015). Collection method: clinical testing. Allele origin: germline.
Comment: This sequence change replaces aspartic acid, which is acidic and polar, with glutamic acid, which is acidic and polar, at codon 1309 of the POLE protein (p.Asp1309Glu). This variant is not present in population databases (gnomAD no frequency). This variant has not been reported in the literature in individuals affected with POLE-related conditions. ClinVar contains an entry for this variant (Variation ID: 1709778). Invitae Evidence Modeling of protein sequence and biophysical properties (such as structural, functional, and spatial information, amino acid conservation, physicochemical variation, residue mobility, and thermodynamic stability) indicates that this missense variant is not expected to disrupt POLE protein function with a negative predictive value of 80%. In summary, the available evidence is currently insufficient to determine the role of this variant in disease. Therefore, it has been classified as a Variant of Uncertain Significance.

MGZ Medical Genetics Center
Classification: Uncertain significance for Colorectal cancer, susceptibility to, 12. Last evaluated: 2022-08-25. Review status: criteria provided, single submitter. Criteria: ACMG Guidelines, 2015. Collection method: clinical testing. Allele origin: germline. Affected: yes. Observed: 1 variant allele.
Comment: ACMG criteria applied: PM2_SUP, BP4